The following is an entry in ClinVar:

ClinVar aggregate classification (germline): Uncertain significance. Review status: criteria provided, multiple submitters, no conflicts (2 of 4 stars). 2 submissions from 2 submitters: Uncertain significance (2). Last evaluated 2023-03-02.

Conditions:
Inborn genetic diseases. Identifiers: MedGen C0950123, MeSH D030342.

Allele frequency attached by ClinVar (database versions not stated): gnomAD exomes below 0.00001.
gnomAD v4.1: 6 of 1,614,196 alleles (0.00037%); highest among the groups gnomAD compares: Non-Finnish European, 0.00051%; no homozygotes.

Submissions (2):

Ambry Genetics
Classification: Uncertain significance for Inborn genetic diseases. Last evaluated: 2023-03-02. Review status: criteria provided, single submitter. Criteria: Ambry Variant Classification Scheme 2023. Collection method: clinical testing. Allele origin: germline.

Labcorp Genetics (formerly Invitae), Labcorp
Classification: Uncertain significance. Last evaluated: 2022-07-17. Review status: criteria provided, single submitter. Criteria: Invitae Variant Classification Sherloc (09022015). Collection method: clinical testing. Allele origin: germline.
Comment: This variant is present in population databases (no rsID available, gnomAD 0.0009%). This variant has not been reported in the literature in individuals affected with MCM3AP-related conditions. Algorithms developed to predict the effect of missense changes on protein structure and function (SIFT, PolyPhen-2, Align-GVGD) all suggest that this variant is likely to be tolerated. In summary, the available evidence is currently insufficient to determine the role of this variant in disease. Therefore, it has been classified as a Variant of Uncertain Significance. This sequence change replaces isoleucine, which is neutral and non-polar, with threonine, which is neutral and polar, at codon 241 of the MCM3AP protein (p.Ile241Thr).

NM_003906.5(MCM3AP):c.722T>C (p.Ile241Thr)

Gene: MCM3AP (minichromosome maintenance complex component 3 associated protein; minus strand). Cytogenetic location: 21q22.3.
Variant type: single nucleotide variant.
Coding change: c.722T>C on transcript NM_003906.5 (MANE Select); coding-DNA position 722, T replaced by C.
Protein change: p.Ile241Thr; replaces isoleucine 241 with threonine.
Molecular consequence: missense variant.
Genome position (GRCh38, 1-based): chr21:46,284,565, A>G on the plus strand (T>C on the coding strand, the complement: MCM3AP is on the minus strand). VCF-style: chr21-46284565-A-G. GRCh37 (hg19) VCF-style: chr21-47704479-A-G.
Other names: c.722T>C (NM_003906.3); short protein forms I241T.
Identifiers: ClinVar variation 1926839 (VCV001926839.6), dbSNP rs1267460132, ClinGen allele CA410534600.